The following is an entry in ClinVar:

ClinVar aggregate classification (germline): Uncertain significance (1 of 4 stars; one submission).

Submission:

GeneDx
Classification: Uncertain significance. Last evaluated: 2024-07-25. Review status: criteria provided, single submitter. Criteria: GeneDx Variant Classification Process June 2021. Collection method: clinical testing. Allele origin: germline. Affected: yes.
Comment: Not observed at significant frequency in large population cohorts (gnomAD); In silico analysis supports that this missense variant has a deleterious effect on protein structure/function; Has not been previously published as pathogenic or benign to our knowledge

NM_000097.7(CPOX):c.409G>T (p.Asp137Tyr)

Gene: CPOX (coproporphyrinogen oxidase; minus strand). Cytogenetic location: 3q11.2.
Variant type: single nucleotide variant.
Coding change: c.409G>T on transcript NM_000097.7 (MANE Select); coding-DNA position 409, G replaced by T.
Protein change: p.Asp137Tyr; replaces aspartic acid 137 with tyrosine.
Molecular consequence: missense variant.
Genome position (GRCh38, 1-based): chr3:98,593,096, C>A on the plus strand (G>T on the coding strand, the complement: CPOX is on the minus strand). VCF-style: chr3-98593096-C-A. GRCh37 (hg19) VCF-style: chr3-98311940-C-A.
Other names: short protein forms D137Y.
Identifiers: ClinVar variation 3600567 (VCV003600567.1).
Genomic context (GRCh38, chr3:98,593,096, plus strand): 5'-GAATCAGCAGCTCCATCTTGGTCTTCATGTCGCCCGGCCTCCTTCGCAGCTCGCCCAGGT[C>A]GGTCACAGGCGGGGCCATGAAGCTGCTGCAGCGGTGGGCCAGCTCATCCTCCTCCTCCTC-3'
Protein context (NP_000088.3, residues 127-147): CSSFMAPPVT[Asp137Tyr]LGELRRRPGD